The following is an entry in ClinVar:

NM_000059.4(BRCA2):c.8187G>A (p.Lys2729=)

Gene: BRCA2 (BRCA2 DNA repair associated; plus strand). Cytogenetic location: 13q13.1.
Variant type: single nucleotide variant.
Coding change: c.8187G>A on transcript NM_000059.4 (MANE Select); coding-DNA position 8187, G replaced by A.
Protein change: p.Lys2729=; no amino-acid change (lysine 2729 retained).
Molecular consequence: synonymous variant.
Genome position (GRCh38, 1-based): chr13:32,363,389, G>A. VCF-style: chr13-32363389-G-A. GRCh37 (hg19) VCF-style: chr13-32937526-G-A.
Other names: K2729K.
Identifiers: ClinVar variation 126167 (VCV000126167.17), dbSNP rs80359065, ClinGen allele CA025497.

ClinVar aggregate classification (germline): Likely benign. Review status: reviewed by expert panel (3 of 4 stars). 7 submissions from 7 submitters: Likely benign (1). 6 of the submissions do not count toward it. Last evaluated 2017-06-29.

Conditions:
Hereditary cancer-predisposing syndrome. Also called: Tumor predisposition; Hereditary Cancer Syndrome; Neoplastic Syndromes, Hereditary; Hereditary neoplastic syndrome. Identifiers: Orphanet 140162, MedGen C0027672, MeSH D009386, MONDO:0015356.
Hereditary breast ovarian cancer syndrome. Also called: Hereditary breast and ovarian cancer; Hereditary breast and/or ovarian cancer syndrome; BRCA1- and BRCA2-Associated Hereditary Breast and Ovarian Cancer; Hereditary breast and ovarian cancer syndrome; Hereditary breast and ovarian cancer syndrome (HBOC); Breast and ovarian cancer. Identifiers: Orphanet 145, MedGen C0677776, MeSH D061325, MONDO:0003582. Disease mechanism: loss of function.
Breast-ovarian cancer, familial, susceptibility to, 2 (BROVCA2). Also called: BRCA2 Hereditary Breast and Ovarian Cancer. Identifiers: Orphanet 145, MedGen C2675520, MONDO:0012933, OMIM 612555. Disease mechanism: loss of function.

gnomAD v4.1: 1 of 1,614,138 alleles (0.000062%); highest among the groups gnomAD compares: Non-Finnish European, 0.000085%; no homozygotes.

Submissions (7):

Evidence-based Network for the Interpretation of Germline Mutant Alleles (ENIGMA)
Classification: Likely benign for Breast-ovarian cancer, familial, susceptibility to, 2. Last evaluated: 2017-06-29. Review status: reviewed by expert panel. Criteria: ENIGMA BRCA1/2 Classification Criteria (2017-06-29). Collection method: curation. Allele origin: germline.
Comment: Synonymous substitution variant, with low bioinformatic likelihood to result in a splicing aberration (Splicing prior probability 0.02).

Labcorp Genetics (formerly Invitae), Labcorp
Classification: Likely benign for Hereditary breast ovarian cancer syndrome. Last evaluated: 2024-09-15. Review status: criteria provided, single submitter. Criteria: Invitae Variant Classification Sherloc (09022015). Collection method: clinical testing. Allele origin: germline. Not counted in ClinVar's aggregate classification.

All of Us Research Program, National Institutes of Health
Classification: Likely benign for Breast-ovarian cancer, familial, susceptibility to, 2. Last evaluated: 2023-02-22. Review status: criteria provided, single submitter. Criteria: ACMG Guidelines, 2015. Collection method: clinical testing. Allele origin: germline. Inheritance: Autosomal dominant inheritance. Observed: 1 variant allele, 1 heterozygote. Not counted in ClinVar's aggregate classification.
Comment: This study involves interpretation of variants in research participants for the purpose of population health screening. Participant phenotype was not available at the time of variant classification. Additional details can be found in publication PMID: 35346344, PMCID: PMC8962531

Ambry Genetics
Classification: Likely benign for Hereditary cancer-predisposing syndrome. Last evaluated: 2019-08-30. Review status: criteria provided, single submitter. Criteria: Ambry Variant Classification Scheme 2023. Collection method: clinical testing. Allele origin: germline. Not counted in ClinVar's aggregate classification.

Color Diagnostics, LLC DBA Color Health
Classification: Likely benign for Hereditary cancer-predisposing syndrome. Last evaluated: 2016-04-29. Review status: criteria provided, single submitter. Criteria: ACMG Guidelines, 2015. Collection method: clinical testing. Allele origin: germline. Not counted in ClinVar's aggregate classification.

GeneDx
Classification: Likely benign. Last evaluated: 2015-10-05. Review status: criteria provided, single submitter. Criteria: GeneDx Variant Classification (06012015). Collection method: clinical testing. Allele origin: germline. Affected: yes. Not counted in ClinVar's aggregate classification.
Comment: This variant is considered likely benign or benign based on one or more of the following criteria: it is a conservative change, it occurs at a poorly conserved position in the protein, it is predicted to be benign by multiple in silico algorithms, and/or has population frequency not consistent with disease.

Breast Cancer Information Core (BIC) (BRCA2)
Classification: Uncertain significance for Breast-ovarian cancer, familial 2. Review status: no assertion criteria provided. Collection method: clinical testing. Allele origin: germline. Affected: yes. Observed: 1 variant allele. Not counted in ClinVar's aggregate classification.